The following is an entry in ClinVar:

ClinVar aggregate classification (germline): Likely benign (1 of 4 stars; one submission).

Allele frequency attached by ClinVar (database versions not stated): gnomAD exomes below 0.00001; TOPMed below 0.00001; ExAC 0.00001; gnomAD 0.00001.
gnomAD v4.1: 6 of 1,614,040 alleles (0.00037%); highest among the groups gnomAD compares: Non-Finnish European, 0.00051%; no homozygotes.

Submission:

CeGaT Center for Human Genetics Tuebingen
Classification: Likely benign. Last evaluated: 2022-09-01. Review status: criteria provided, single submitter. Criteria: CeGaT Center For Human Genetics Tuebingen Variant Classification Criteria Version 2. Collection method: clinical testing. Allele origin: germline. Affected: yes. Observed: 1 variant allele.
Comment: LILRA4: BP4, BP7

NM_012276.5(LILRA4):c.33T>C (p.Phe11=)

Gene: LILRA4 (leukocyte immunoglobulin like receptor A4; minus strand). Cytogenetic location: 19q13.42.
Variant type: single nucleotide variant.
Coding change: c.33T>C on transcript NM_012276.5 (MANE Select); coding-DNA position 33, T replaced by C.
Protein change: p.Phe11=; no amino-acid change (phenylalanine 11 retained).
Molecular consequence: synonymous variant.
Genome position (GRCh38, 1-based): chr19:54,339,061, A>G on the plus strand (T>C on the coding strand, the complement: LILRA4 is on the minus strand). VCF-style: chr19-54339061-A-G. GRCh37 (hg19) VCF-style: chr19-54850332-A-G.
Identifiers: ClinVar variation 2650449 (VCV002650449.24), dbSNP rs748234797, ClinGen allele CA309512299.